The following is an entry in ClinVar:

ClinVar aggregate classification (germline): Uncertain significance (1 of 4 stars; one submission).

gnomAD v4.1: 1 of 1,614,088 alleles (0.000062%); highest among the groups gnomAD compares: South Asian, 0.0011%; no homozygotes.

Submission:

Ambry Genetics
Classification: Uncertain significance. Last evaluated: 2025-11-22. Review status: criteria provided, single submitter. Criteria: Ambry Variant Classification Scheme 2023. Collection method: clinical testing. Allele origin: germline.
Comment: The p.P401L variant (also known as c.1202C>T), located in coding exon 4 of the TMPO gene, results from a C to T substitution at nucleotide position 1202. The proline at codon 401 is replaced by leucine, an amino acid with similar properties. This amino acid position is conserved. In addition, this alteration is predicted to be tolerated by in silico analysis. Based on the available evidence, the clinical significance of this variant remains unclear.

NM_001032283.3(TMPO):c.565+1621C>T

Gene: TMPO (thymopoietin; plus strand). Cytogenetic location: 12q23.1.
Variant type: single nucleotide variant.
Coding change: c.565+1621C>T on transcript NM_001032283.3 (MANE Select); 1621 bases into the intron after coding-DNA position 565, C replaced by T.
Molecular consequence: intron variant. On other transcripts: missense variant (1).
Genome position (GRCh38, 1-based): chr12:98,533,459, C>T. VCF-style: chr12-98533459-C-T. GRCh37 (hg19) VCF-style: chr12-98927237-C-T.
Other names: c.1202C>T, p.Pro401Leu (NM_003276.2); c.565+1621C>T (NM_001307975.2, NM_001032284.3); short protein forms P401L.
Identifiers: ClinVar variation 4597026 (VCV004597026.1).